The following is an entry in ClinVar:

ClinVar aggregate classification (germline): Uncertain significance (1 of 4 stars; one submission).

Conditions:
Inborn genetic diseases. Identifiers: MedGen C0950123, MeSH D030342.

gnomAD v4.1: 1 of 1,612,752 alleles (0.000062%); highest among the groups gnomAD compares: Non-Finnish European, 0.000085%; no homozygotes.

Submission:

Ambry Genetics
Classification: Uncertain significance for Inborn genetic diseases. Last evaluated: 2026-04-13. Review status: criteria provided, single submitter. Criteria: Ambry Variant Classification Scheme 2023. Collection method: clinical testing. Allele origin: germline.
Comment: The p.P444A variant (also known as c.1330C>G), located in coding exon 7 of the RECQL4 gene, results from a C to G substitution at nucleotide position 1330. The proline at codon 444 is replaced by alanine, an amino acid with highly similar properties. This amino acid position is conserved. In addition, this alteration is predicted to be tolerated by in silico analysis. Based on the available evidence, the clinical significance of this variant remains unclear.

NM_004260.4(RECQL4):c.1330C>G (p.Pro444Ala)

Gene: RECQL4 (RecQ like helicase 4; minus strand). Cytogenetic location: 8q24.3.
Variant type: single nucleotide variant.
Coding change: c.1330C>G on transcript NM_004260.4 (MANE Select); coding-DNA position 1330, C replaced by G.
Protein change: p.Pro444Ala; replaces proline 444 with alanine.
Molecular consequence: missense variant. On other transcripts: 5 prime UTR variant (1), non-coding transcript variant (3).
Genome position (GRCh38, 1-based): chr8:144,515,386, G>C on the plus strand (C>G on the coding strand, the complement: RECQL4 is on the minus strand). VCF-style: chr8-144515386-G-C. GRCh37 (hg19) VCF-style: chr8-145740770-G-C.
Other names: c.1234C>G, p.Pro412Ala (NM_001413017.1, NM_001413020.1); c.1330C>G, p.Pro444Ala (NM_001413018.1, NM_001413019.1, NM_001413033.1 and 2 more transcripts); c.259C>G, p.Pro87Ala (NM_001413021.1, NM_001413022.1, NM_001413023.1 and 8 more transcripts); c.1201C>G, p.Pro401Ala (NM_001413025.1); c.193C>G, p.Pro65Ala (NM_001413027.1, NM_001413030.1, NM_001413031.1 and 2 more transcripts); c.979C>G, p.Pro327Ala (NM_001413029.1); c.-138C>G (NM_001413043.1); short protein forms P327A, P401A, P412A, P444A, P65A, P87A.
Identifiers: ClinVar variation 4863167 (VCV004863167.1).